The following is an entry in ClinVar:

ClinVar aggregate classification (germline): Uncertain significance (1 of 4 stars; one submission).

Conditions:
Charcot-Marie-Tooth disease type 2. Also called: Charcot-Marie-Tooth type 2. Identifiers: Orphanet 64746, MedGen C0270914, MONDO:0018993.

Submission:

Labcorp Genetics (formerly Invitae), Labcorp
Classification: Uncertain significance for Charcot-Marie-Tooth disease type 2. Last evaluated: 2020-12-08. Review status: criteria provided, single submitter. Criteria: Invitae Variant Classification Sherloc (09022015). Collection method: clinical testing. Allele origin: germline.
Comment: In summary, the available evidence is currently insufficient to determine the role of this variant in disease. Therefore, it has been classified as a Variant of Uncertain Significance. Algorithms developed to predict the effect of missense changes on protein structure and function are either unavailable or do not agree on the potential impact of this missense change (SIFT: "Deleterious"; PolyPhen-2: "Benign"; Align-GVGD: "Class C0"). This variant has not been reported in the literature in individuals with GARS-related conditions. This variant is not present in population databases (ExAC no frequency). This sequence change replaces valine with aspartic acid at codon 478 of the GARS protein (p.Val478Asp). The valine residue is highly conserved and there is a large physicochemical difference between valine and aspartic acid.

NM_002047.4(GARS1):c.1433T>A (p.Val478Asp)

Gene: GARS1 (glycyl-tRNA synthetase 1; plus strand). Cytogenetic location: 7p14.3.
Variant type: single nucleotide variant.
Coding change: c.1433T>A on transcript NM_002047.4 (MANE Select); coding-DNA position 1433, T replaced by A.
Protein change: p.Val478Asp; replaces valine 478 with aspartic acid.
Molecular consequence: missense variant.
Genome position (GRCh38, 1-based): chr7:30,621,466, T>A. VCF-style: chr7-30621466-T-A. GRCh37 (hg19) VCF-style: chr7-30661082-T-A.
Other names: c.1271T>A, p.Val424Asp (NM_001316772.1); short protein forms V424D, V478D.
Identifiers: ClinVar variation 1680940 (VCV001680940.8), dbSNP rs2128135103, ClinGen allele CA367128267.